The following is an entry in ClinVar:

NM_006767.4(LZTR1):c.593+1G>A

Gene: LZTR1 (leucine zipper like post translational regulator 1; plus strand). Cytogenetic location: 22q11.21.
Variant type: single nucleotide variant.
Coding change: c.593+1G>A on transcript NM_006767.4 (MANE Select); the canonical splice donor site of the intron after coding-DNA position 593, G replaced by A.
Molecular consequence: splice donor variant.
Genome position (GRCh38, 1-based): chr22:20,988,873, G>A. VCF-style: chr22-20988873-G-A. GRCh37 (hg19) VCF-style: chr22-21343162-G-A.
Other names: c.593+1G>A (NM_006767.3).
Identifiers: ClinVar variation 3631751 (VCV003631751.3).
Genomic context (GRCh38, chr22:20,988,873, plus strand): 5'-TGGGGCCACGGTGTACAGTGACAAGCTGTGGATCTTTGCTGGCTATGACGGCAACGCCAG[G>A]TGGGTGGTGGTCCGGCCTGTGCACCCCACCTCCGACAGCACTGAGACCCGGAGCAGGCCG-3'

ClinVar aggregate classification (germline): Conflicting classifications of pathogenicity. Review status: criteria provided, conflicting classifications (1 of 4 stars). 2 submissions from 2 submitters: Pathogenic (1); Uncertain significance (1). Last evaluated 2026-01-24.

Conditions:
Hereditary cancer-predisposing syndrome. Also called: Neoplastic Syndromes, Hereditary; Tumor predisposition; Hereditary Cancer Syndrome; Hereditary neoplastic syndrome. Identifiers: Orphanet 140162, MedGen C0027672, MeSH D009386, MONDO:0015356.
Cardiovascular phenotype. Identifiers: MedGen CN230736.

Submissions (2):

Labcorp Genetics (formerly Invitae), Labcorp
Classification: Pathogenic. Last evaluated: 2026-01-24. Review status: criteria provided, single submitter. Criteria: Invitae Variant Classification Sherloc (09022015). Collection method: clinical testing. Allele origin: germline.
Comment: This sequence change affects a donor splice site in intron 6 of the LZTR1 gene. It is expected to disrupt RNA splicing. Variants that disrupt the donor or acceptor splice site typically lead to a loss of protein function (PMID: 16199547), and loss-of-function variants in LZTR1 are known to be pathogenic (PMID: 24362817, 25335493, 25480913, 25795793, 29469822, 30368668, 30442762, 30442766, 30481304, 30859559). This variant is not present in population databases (gnomAD no frequency). Disruption of this splice site has been observed in individual(s) with LZTR1-related conditions (PMID: 36307859). In at least one individual the data is consistent with being in trans (on the opposite chromosome) from a pathogenic variant. ClinVar contains an entry for this variant (Variation ID: 3631751). Algorithms developed to predict the effect of sequence changes on RNA splicing suggest that this variant may disrupt the consensus splice site. For these reasons, this variant has been classified as Pathogenic.

Ambry Genetics
Classification: Uncertain significance for Cardiovascular phenotype; Hereditary cancer-predisposing syndrome. Last evaluated: 2025-06-26. Review status: criteria provided, single submitter. Criteria: Ambry Variant Classification Scheme 2023. Collection method: clinical testing. Allele origin: germline.
Comment: The c.593+1G>A intronic variant results from a G to A substitution one nucleotide after coding exon 6 of the LZTR1 gene. Alterations that disrupt the canonical splice site are expected to cause aberrant splicing. In silico splice site analysis predicts that this alteration will weaken the native splice donor site. A resulting transcript is predicted to be in-frame and is not expected to trigger nonsense-mediated mRNA decay; however, direct evidence is insufficient. This nucleotide position is highly conserved in available vertebrate species. Based on the available evidence, the clinical significance of this variant remains unclear.

Literature cited by the submitters: PubMed 16199547 (cited by Labcorp Genetics (formerly Invitae), Labcorp); PubMed 24362817 (cited by Labcorp Genetics (formerly Invitae), Labcorp); PubMed 25335493 (cited by Labcorp Genetics (formerly Invitae), Labcorp); PubMed 25480913 (cited by Labcorp Genetics (formerly Invitae), Labcorp); PubMed 25795793 (cited by Labcorp Genetics (formerly Invitae), Labcorp); PubMed 29469822 (cited by Labcorp Genetics (formerly Invitae), Labcorp); PubMed 30368668 (cited by Labcorp Genetics (formerly Invitae), Labcorp); PubMed 30442762 (cited by Labcorp Genetics (formerly Invitae), Labcorp); PubMed 30442766 (cited by Labcorp Genetics (formerly Invitae), Labcorp); PubMed 30481304 (cited by Labcorp Genetics (formerly Invitae), Labcorp); PubMed 30859559 (cited by Labcorp Genetics (formerly Invitae), Labcorp); PubMed 36307859 (cited by Labcorp Genetics (formerly Invitae), Labcorp).